The following is an entry in ClinVar:

NM_007294.4(BRCA1):c.4675+1515C>G

Gene: BRCA1 (BRCA1 DNA repair associated; minus strand). Cytogenetic location: 17q21.31.
Variant type: single nucleotide variant.
Coding change: c.4675+1515C>G on transcript NM_007294.4 (MANE Select); 1515 bases into the intron after coding-DNA position 4675, C replaced by G.
Molecular consequence: intron variant.
Genome position (GRCh38, 1-based): chr17:43,072,816, G>C on the plus strand (C>G on the coding strand, the complement: BRCA1 is on the minus strand). VCF-style: chr17-43072816-G-C. GRCh37 (hg19) VCF-style: chr17-41224833-G-C.
Other names: IVS 15+1515C>G; c.1222+1515C>G (NM_001408458.1, NM_001408461.1, NM_001408464.1 and 7 more transcripts); c.3784+1515C>G (NM_001407967.1); c.4294+1515C>G (NM_001407959.1); c.4408+1515C>G (NM_001407931.1, NM_001407932.1, NM_001407928.1 and 4 more transcripts); c.4531+1515C>G (NM_001407747.1, NM_001407745.1, NM_001407737.1 and 21 more transcripts); c.4291+1515C>G (NM_001407962.1, NM_001407960.1); c.862+1515C>G (NM_001408512.1); and 72 more.
Identifiers: ClinVar variation 209363 (VCV000209363.2), dbSNP rs111499627, ClinGen allele CA276335.

ClinVar aggregate classification (germline): Benign (3 of 4 stars; one submission).

Conditions:
Breast-ovarian cancer, familial, susceptibility to, 1 (BROVCA1). Also called: BRCA1 Hereditary Breast and Ovarian Cancer; OVARIAN CANCER, SUSCEPTIBILITY TO. Identifiers: Orphanet 145, MedGen C2676676, MONDO:0011450, OMIM 604370. Disease mechanism: loss of function.

Allele frequency attached by ClinVar (database versions not stated): TOPMed 0.28370; gnomAD 0.30112; 1000 Genomes Project 30x 0.33057; 1000 Genomes Project 0.33646.
gnomAD v4.1: 45,557 of 151,398 alleles (30%); highest among the groups gnomAD compares: South Asian, 49%; 7,405 homozygotes.

Submission:

Evidence-based Network for the Interpretation of Germline Mutant Alleles (ENIGMA)
Classification: Benign for Breast-ovarian cancer, familial 1. Last evaluated: 2015-01-12. Review status: reviewed by expert panel. Criteria: ENIGMA BRCA1/2 Classification Criteria (2015). Collection method: curation. Allele origin: germline.
Comment: Class 1 not pathogenic based on frequency >1% in an outbred sampleset. Frequency 0.3304 (Asian), 0.128 (African), 0.3417 (European), derived from 1000 genomes (2012-04-30).